The following is an entry in ClinVar:

NM_001378778.1(MPDZ):c.2325G>A (p.Pro775=)

Gene: MPDZ (multiple PDZ domain crumbs cell polarity complex component; minus strand). Cytogenetic location: 9p23.
Variant type: single nucleotide variant.
Coding change: c.2325G>A on transcript NM_001378778.1 (MANE Select); coding-DNA position 2325, G replaced by A.
Protein change: p.Pro775=; no amino-acid change (proline 775 retained).
Molecular consequence: synonymous variant.
Genome position (GRCh38, 1-based): chr9:13,188,823, C>T on the plus strand (G>A on the coding strand, the complement: MPDZ is on the minus strand). VCF-style: chr9-13188823-C-T. GRCh37 (hg19) VCF-style: chr9-13188822-C-T.
Other names: c.2325G>A, p.Pro775= (NM_001261406.2, NM_001261407.2, NM_001330637.2 and 14 more transcripts).
Identifiers: ClinVar variation 712380 (VCV000712380.21), dbSNP rs373568505, ClinGen allele CA4987502.

ClinVar aggregate classification (germline): Benign/Likely benign. Review status: criteria provided, multiple submitters, no conflicts (2 of 4 stars). 5 submissions from 5 submitters: Benign (2); Likely benign (2). 1 of the submissions does not count toward it. Last evaluated 2026-01-02.

Conditions:
MPDZ-related disorder. Also called: MPDZ-related condition.

Allele frequency attached by ClinVar (database versions not stated): ESP Exome Variant Server 0.00008; gnomAD 0.00022; TOPMed 0.00032; 1000 Genomes Project 30x 0.00047; ExAC 0.00049; 1000 Genomes Project 0.00060.
gnomAD v4.1: 239 of 1,613,470 alleles (0.015%); highest among the groups gnomAD compares: East Asian, 0.26%; 2 homozygotes.

Submissions (5):

Labcorp Genetics (formerly Invitae), Labcorp
Classification: Benign. Last evaluated: 2026-01-02. Review status: criteria provided, single submitter. Criteria: Invitae Variant Classification Sherloc (09022015). Collection method: clinical testing. Allele origin: germline.

CeGaT Center for Human Genetics Tuebingen
Classification: Likely benign. Last evaluated: 2025-10-01. Review status: criteria provided, single submitter. Criteria: CeGaT Center For Human Genetics Tuebingen Variant Classification Criteria Version 2. Collection method: clinical testing. Allele origin: germline. Affected: yes. Observed: 1 variant allele.
Comment: MPDZ: BP4, BP7

Blueprint Genetics
Classification: Likely benign. Last evaluated: 2024-11-08. Review status: criteria provided, single submitter. Criteria: ACMG Guidelines, 2015. Collection method: clinical testing. Allele origin: germline.

Breakthrough Genomics
Classification: Benign. Review status: criteria provided, single submitter. Criteria: ACMG Guidelines, 2015. Collection method: not provided. Allele origin: germline. Inheritance: Autosomal recessive inheritance. Affected: yes.

PreventionGenetics, part of Exact Sciences
Classification: Likely benign for MPDZ-related condition. Last evaluated: 2019-06-19. Review status: no assertion criteria provided. Collection method: clinical testing. Allele origin: germline. Not counted in ClinVar's aggregate classification.
Comment: This variant is classified as likely benign based on ACMG/AMP sequence variant interpretation guidelines (Richards et al. 2015 PMID: 25741868, with internal and published modifications).